The following is an entry in ClinVar:

ClinVar aggregate classification (germline): Uncertain significance (1 of 4 stars; one submission).

gnomAD v4.1: 2 of 1,612,178 alleles (0.00012%); 1 homozygote.

Submission:

Labcorp Genetics (formerly Invitae), Labcorp
Classification: Uncertain significance. Last evaluated: 2023-06-29. Review status: criteria provided, single submitter. Criteria: Invitae Variant Classification Sherloc (09022015). Collection method: clinical testing. Allele origin: germline.
Comment: Advanced modeling of protein sequence and biophysical properties (such as structural, functional, and spatial information, amino acid conservation, physicochemical variation, residue mobility, and thermodynamic stability) performed at Invitae indicates that this missense variant is not expected to disrupt DDX59 protein function. ClinVar contains an entry for this variant (Variation ID: 1994347). This variant has not been reported in the literature in individuals affected with DDX59-related conditions. This variant is not present in population databases (gnomAD no frequency). This sequence change replaces leucine, which is neutral and non-polar, with valine, which is neutral and non-polar, at codon 556 of the DDX59 protein (p.Leu556Val). In summary, the available evidence is currently insufficient to determine the role of this variant in disease. Therefore, it has been classified as a Variant of Uncertain Significance.

NM_001031725.6(DDX59):c.1666C>G (p.Leu556Val)

Gene: DDX59 (DEAD-box helicase 59; minus strand). Cytogenetic location: 1q32.1.
Variant type: single nucleotide variant.
Coding change: c.1666C>G on transcript NM_001031725.6 (MANE Select); coding-DNA position 1666, C replaced by G.
Protein change: p.Leu556Val; replaces leucine 556 with valine.
Molecular consequence: missense variant. On other transcripts: intron variant (2).
Genome position (GRCh38, 1-based): chr1:200,644,448, G>C on the plus strand (C>G on the coding strand, the complement: DDX59 is on the minus strand). VCF-style: chr1-200644448-G-C. GRCh37 (hg19) VCF-style: chr1-200613576-G-C.
Other names: c.1324C>G, p.Leu442Val (NM_001320182.1); c.1666C>G, p.Leu556Val (NM_001349799.3, NM_001349800.3); c.1537C>G, p.Leu513Val (NM_001349801.3); c.1414C>G, p.Leu472Val (NM_001349803.3); c.1132C>G, p.Leu378Val (NM_001349804.2); c.1597-3263C>G (NM_001349802.3); c.1597-3192C>G (NM_001320181.2); short protein forms L513V, L556V, L442V, L378V, L472V.
Identifiers: ClinVar variation 1994347 (VCV001994347.4), dbSNP rs1661167030, ClinGen allele CA344128178.